The following is an entry in ClinVar:

NM_000414.4(HSD17B4):c.1262-18T>C

Gene: HSD17B4 (hydroxysteroid 17-beta dehydrogenase 4; plus strand). Cytogenetic location: 5q23.1.
Variant type: single nucleotide variant.
Coding change: c.1262-18T>C on transcript NM_000414.4 (MANE Select); 18 bases into the intron before coding-DNA position 1262, T replaced by C.
Molecular consequence: intron variant.
Genome position (GRCh38, 1-based): chr5:119,506,800, T>C. VCF-style: chr5-119506800-T-C. GRCh37 (hg19) VCF-style: chr5-118842495-T-C.
Other names: c.851-18T>C (NM_001374503.1, NM_001374502.1, NM_001374501.1); c.1337-18T>C (NM_001199291.3); c.935-18T>C (NM_001374499.1); c.821-18T>C (NM_001374500.1); c.842-18T>C (NM_001292028.2); c.1190-18T>C (NM_001292027.2); c.1262-2341T>C (NM_001374498.1); c.1253-18T>C (NM_001374497.1); and 2 more.
Identifiers: ClinVar variation 2926412 (VCV002926412.5), dbSNP rs2531789332, ClinGen allele CA2674981659.

ClinVar aggregate classification (germline): Likely benign. Review status: criteria provided, single submitter (1 of 4 stars). 2 submissions from 2 submitters: Likely benign (1). 1 of the submissions does not count toward it. Last evaluated 2023-10-04.

Conditions:
Bifunctional peroxisomal enzyme deficiency (DBIF). Also called: PBFE DEFICIENCY; D-bifunctional protein deficiency; DBP DEFICIENCY. Identifiers: Orphanet 300, MedGen C0342870, MONDO:0009855, OMIM 261515. Disease mechanism: loss of function.
Perrault syndrome. Also called: Gonadal dysgenesis with auditory dysfunction, autosomal recessive inheritance. Identifiers: Orphanet 2855, MedGen C0685838, MONDO:0017312.
HSD17B4-related disorder. Also called: HSD17B4-related disorders; HSD17B4-related condition.

Submissions (2):

Labcorp Genetics (formerly Invitae), Labcorp
Classification: Likely benign for Perrault syndrome; Bifunctional peroxisomal enzyme deficiency. Last evaluated: 2023-10-04. Review status: criteria provided, single submitter. Criteria: Invitae Variant Classification Sherloc (09022015). Collection method: clinical testing. Allele origin: germline.

PreventionGenetics, part of Exact Sciences
Classification: Likely benign for HSD17B4-related condition. Last evaluated: 2023-03-10. Review status: no assertion criteria provided. Collection method: clinical testing. Allele origin: germline. Not counted in ClinVar's aggregate classification.
Comment: This variant is classified as likely benign based on ACMG/AMP sequence variant interpretation guidelines (Richards et al. 2015 PMID: 25741868, with internal and published modifications).